The following is an entry in ClinVar:

NM_003705.5(SLC25A12):c.1871G>A (p.Arg624His)

Gene: SLC25A12 (solute carrier family 25 member 12; minus strand). Cytogenetic location: 2q31.1.
Variant type: single nucleotide variant.
Coding change: c.1871G>A on transcript NM_003705.5 (MANE Select); coding-DNA position 1871, G replaced by A.
Protein change: p.Arg624His; replaces arginine 624 with histidine.
Molecular consequence: missense variant. On other transcripts: non-coding transcript variant (1).
Genome position (GRCh38, 1-based): chr2:171,785,440, C>T on the plus strand (G>A on the coding strand, the complement: SLC25A12 is on the minus strand). VCF-style: chr2-171785440-C-T. GRCh37 (hg19) VCF-style: chr2-172641950-C-T.
Other names: short protein forms R624H.
Identifiers: ClinVar variation 2192449 (VCV002192449.1), dbSNP rs1690470236, ClinGen allele CA349287376.

ClinVar aggregate classification (germline): Uncertain significance (1 of 4 stars; one submission).

gnomAD v4.1: 2 of 1,614,160 alleles (0.00012%); highest among the groups gnomAD compares: Non-Finnish European, 0.00017%; no homozygotes.

Submission:

Labcorp Genetics (formerly Invitae), Labcorp
Classification: Uncertain significance. Last evaluated: 2021-12-21. Review status: criteria provided, single submitter. Criteria: Invitae Variant Classification Sherloc (09022015). Collection method: clinical testing. Allele origin: germline.
Comment: This sequence change replaces arginine, which is basic and polar, with histidine, which is basic and polar, at codon 624 of the SLC25A12 protein (p.Arg624His). This variant is not present in population databases (gnomAD no frequency). This variant has not been reported in the literature in individuals affected with SLC25A12-related conditions. Algorithms developed to predict the effect of missense changes on protein structure and function (SIFT, PolyPhen-2, Align-GVGD) all suggest that this variant is likely to be tolerated. In summary, the available evidence is currently insufficient to determine the role of this variant in disease. Therefore, it has been classified as a Variant of Uncertain Significance.